The following is an entry in ClinVar:

NM_018486.3(HDAC8):c.1055_1056delinsAT (p.Cys352Tyr)

Gene: HDAC8 (histone deacetylase 8; minus strand). Cytogenetic location: Xq13.1.
Variant type: Indel.
Coding change: c.1055_1056delinsAT on transcript NM_018486.3 (MANE Select); coding-DNA positions 1055 to 1056, GC replaced by AT.
Protein change: p.Cys352Tyr; replaces cysteine 352 with tyrosine.
Molecular consequence: missense variant. On other transcripts: non-coding transcript variant (5).
Genome position (GRCh38, 1-based): chrX:72,351,788-72,351,789, GC replaced by AT on the plus strand (GC replaced by AT on the coding strand, the reverse complement: HDAC8 is on the minus strand). VCF-style: chrX-72351788-GC-AT. GRCh37 (hg19) VCF-style: chrX-71571638-GC-AT.
Other names: c.782_783delinsAT, p.Cys261Tyr (NM_001166418.2, NM_001410728.1); c.1055_1056delinsAT, p.Cys352Tyr (NM_001410725.1); c.977_978delinsAT, p.Cys326Tyr (NM_001410727.1); c.755_756delinsAT, p.Cys252Tyr (NM_001441234.1); short protein forms C252Y, C326Y, C352Y, C261Y.
Identifiers: ClinVar variation 4722768 (VCV004722768.1).
Genomic context (GRCh38, chrX:72,351,788, plus strand): 5'-CTCACCTTTGATGTAGTTGAGGATTTGTTGGATTCGGTGGGGCTCATTGCGGTCTGGCCG[GC>AT]AGCTTGGCGTGATTTCCAGCACATAATCAGGACCATATGCTGTGAAAAACTGTAAGGAAA-3'
Protein context (NP_060956.1, residues 342-362): PDYVLEITPS[Cys352Tyr]RPDRNEPHRI

ClinVar aggregate classification (germline): Uncertain significance (1 of 4 stars; one submission).

Conditions:
Cornelia de Lange syndrome 5 (CDLS5). Also called: HDAC8-Related Cornelia de Lange Syndrome. Identifiers: Orphanet 199, MedGen C3550903, MONDO:0010471, OMIM 300882.

Submission:

Labcorp Genetics (formerly Invitae), Labcorp
Classification: Uncertain significance for Cornelia de Lange syndrome 5. Last evaluated: 2025-07-06. Review status: criteria provided, single submitter. Criteria: Invitae Variant Classification Sherloc (09022015). Collection method: clinical testing. Allele origin: germline.
Comment: This sequence change replaces cysteine, which is neutral and slightly polar, with tyrosine, which is neutral and polar, at codon 352 of the HDAC8 protein (p.Cys352Tyr). Information on the frequency of this variant in the gnomAD database is not available, as this variant may be reported differently in the database. This variant has not been reported in the literature in individuals affected with HDAC8-related conditions. An algorithm developed to predict the effect of missense changes on protein structure and function (PolyPhen-2) suggests that this variant is likely to be tolerated. In summary, the available evidence is currently insufficient to determine the role of this variant in disease. Therefore, it has been classified as a Variant of Uncertain Significance.